The following is an entry in ClinVar:

NM_000372.5(TYR):c.272G>C (p.Cys91Ser)

Gene: TYR (tyrosinase; plus strand). Cytogenetic location: 11q14.3.
Variant type: single nucleotide variant.
Coding change: c.272G>C on transcript NM_000372.5 (MANE Select); coding-DNA position 272, G replaced by C.
Protein change: p.Cys91Ser; replaces cysteine 91 with serine.
Molecular consequence: missense variant.
Genome position (GRCh38, 1-based): chr11:89,178,225, G>C. VCF-style: chr11-89178225-G-C. GRCh37 (hg19) VCF-style: chr11-88911393-G-C.
Other names: short protein forms C91S.
Identifiers: ClinVar variation 3366828 (VCV003366828.2).
Genomic context (GRCh38, chr11:89,178,225, plus strand): 5'-TCACAGGGGTGGATGACCGGGAGTCGTGGCCTTCCGTCTTTTATAATAGGACCTGCCAGT[G>C]CTCTGGCAACTTCATGGGATTCAACTGTGGAAACTGCAAGTTTGGCTTTTGGGGACCAAA-3'
Protein context (NP_000363.1, residues 81-101): PSVFYNRTCQ[Cys91Ser]SGNFMGFNCG

ClinVar aggregate classification (germline): Pathogenic/Likely pathogenic. Review status: criteria provided, multiple submitters, no conflicts (2 of 4 stars). 2 submissions from 2 submitters: Pathogenic (1); Likely pathogenic (1). Last evaluated 2025-06-04.

Conditions:
Oculocutaneous albinism type 1. Also called: Albinism 1; ALBINISM I. Identifiers: Orphanet 352731, MedGen C0268494, MONDO:0018135. Disease mechanism: loss of function.
Oculocutaneous albinism. Identifiers: Orphanet 55, MedGen C0078918, MONDO:0018910.

Submissions (2):

Myriad Genetics, Inc.
Classification: Likely pathogenic for Oculocutaneous albinism type 1. Last evaluated: 2025-06-04. Review status: criteria provided, single submitter. Criteria: Myriad Autosomal Dominant, Autosomal Recessive and X-Linked Classification Criteria (2023). Collection method: clinical testing. Allele origin: unknown.
Comment: NM_000372.4(TYR):c.272G>C(C91S) is a missense variant classified as likely pathogenic in the context of oculocutaneous albinism, TYR-related. C91S has been observed in cases with relevant disease (PMID: 16907708, 16098056). Relevant functional assessments of this variant are available in the literature (PMID: 20861851). C91S has not been observed in referenced population frequency databases. In summary, NM_000372.4(TYR):c.272G>C(C91S) is a missense variant that has functional support for pathogenicity and has been observed more frequently in cases with the relevant disease than in healthy populations. Please note: this variant was assessed in the context of healthy population screening.

Women's Health and Genetics/Laboratory Corporation of America, LabCorp
Classification: Pathogenic for Oculocutaneous albinism. Last evaluated: 2024-08-13. Review status: criteria provided, single submitter. Criteria: LabCorp Variant Classification Summary - May 2015. Collection method: clinical testing. Allele origin: germline.
Comment: Variant summary: TYR c.272G>C (p.Cys91Ser) results in a non-conservative amino acid change in the encoded protein sequence. Five of five in-silico tools predict a damaging effect of the variant on protein function. The variant was absent in 251134 control chromosomes. c.272G>C has been reported in the literature in individuals affected with Oculocutaneous Albinism (Miyamura_2005, Chaki_2006). These data indicate that the variant may be associated with disease. At least one publication reports experimental evidence evaluating an impact on protein function and showed that this variant leads to complete loss of enzyme activity (Chaki_2011). No submitters have cited clinical-significance assessments for this variant to ClinVar. Other variants affecting this codon (p.C91F, p.C91R, p.C91Y) have been reported in HGMD and ClinVar databases. Based on the evidence outlined above, the variant was classified as pathogenic.

Literature cited by the submitters: PubMed 16098056 (cited by Myriad Genetics, Inc. and Women's Health and Genetics/Laboratory Corporation of America, LabCorp); PubMed 16907708 (cited by Myriad Genetics, Inc. and Women's Health and Genetics/Laboratory Corporation of America, LabCorp); PubMed 20861851 (cited by Myriad Genetics, Inc. and Women's Health and Genetics/Laboratory Corporation of America, LabCorp).